The following is an entry in ClinVar:

ClinVar aggregate classification (germline): Pathogenic (1 of 4 stars; one submission).

Conditions:
VPS13A-related neurodegenerative disease. Also called: ACANTHOCYTOSIS WITH NEUROLOGIC DISORDER; LEVINE-CRITCHLEY SYNDROME; Choreoacanthocytosis; Chorea-acanthocytosis; Choreaacanthocytosis; VPS13A Disease. Identifiers: Orphanet 2388, MedGen C0393576, MONDO:0008695, OMIM 200150.

Submission:

Myriad Genetics, Inc.
Classification: Pathogenic for VPS13A-related neurodegenerative disease. Last evaluated: 2024-05-14. Review status: criteria provided, single submitter. Criteria: Myriad Autosomal Dominant, Autosomal Recessive and X-Linked Classification Criteria (2023). Collection method: clinical testing. Allele origin: unknown.
Comment: NM_033305.2(VPS13A):c.1927_1928ins14(K643Mfs*14) is expected to be pathogenic in the context of VPS13A disease. This variant is predicted to lead to an abnormal or absent protein product due to the creation of a premature termination codon in VPS13A, a gene where loss-of-function variants are known to be pathogenic. Please note: this variant was assessed in the context of healthy population screening.

NM_033305.3(VPS13A):c.1927_1928insTGTGTATAAGAGAC (p.Lys643fs)

Gene: VPS13A (vacuolar protein sorting 13 homolog A; plus strand). Cytogenetic location: 9q21.2.
Variant type: Insertion.
Coding change: c.1927_1928insTGTGTATAAGAGAC on transcript NM_033305.3 (MANE Select); coding-DNA positions 1927 to 1928, TGTGTATAAGAGAC inserted.
Protein change: p.Lys643fs; shifts the reading frame from lysine 643.
Molecular consequence: frameshift variant.
Genome position: GRCh38 VCF-style: chr9-77247285-A-ATGTGTATAAGAGAC. GRCh37 (hg19) VCF-style: chr9-79862201-A-ATGTGTATAAGAGAC.
Other names: c.1927_1928insTGTGTATAAGAGAC, p.Lys643fs (NM_001018037.2, NM_001018038.3, NM_015186.4); short protein forms K643fs.
Identifiers: ClinVar variation 5010335 (VCV005010335.1).